The following is an entry in ClinVar:

ClinVar aggregate classification (germline): Uncertain significance. Review status: criteria provided, multiple submitters, no conflicts (2 of 4 stars). 2 submissions from 2 submitters: Uncertain significance (2). Last evaluated 2024-08-14.

Allele frequency attached by ClinVar (database versions not stated): ExAC 0.00001; TOPMed 0.00002; gnomAD 0.00003.
gnomAD v4.1: 4 of 1,613,798 alleles (0.00025%); highest among the groups gnomAD compares: African/African-American, 0.0053%; no homozygotes.

Submissions (2):

Labcorp Genetics (formerly Invitae), Labcorp
Classification: Uncertain significance. Last evaluated: 2024-08-14. Review status: criteria provided, single submitter. Criteria: Invitae Variant Classification Sherloc (09022015). Collection method: clinical testing. Allele origin: germline.
Comment: This sequence change replaces glutamic acid, which is acidic and polar, with lysine, which is basic and polar, at codon 12 of the BUB1 protein (p.Glu12Lys). This variant is present in population databases (rs369254989, gnomAD 0.007%). This variant has not been reported in the literature in individuals affected with BUB1-related conditions. Experimental studies and prediction algorithms are not available or were not evaluated, and the functional significance of this variant is currently unknown. In summary, the available evidence is currently insufficient to determine the role of this variant in disease. Therefore, it has been classified as a Variant of Uncertain Significance.

Ambry Genetics
Classification: Uncertain significance. Last evaluated: 2023-11-03. Review status: criteria provided, single submitter. Criteria: Ambry Variant Classification Scheme 2023. Collection method: clinical testing. Allele origin: germline.
Comment: The p.E12K variant (also known as c.34G>A), located in coding exon 2 of the BUB1 gene, results from a G to A substitution at nucleotide position 34. The glutamic acid at codon 12 is replaced by lysine, an amino acid with similar properties. This amino acid position is conserved. In addition, this alteration is predicted to be deleterious by in silico analysis. Since supporting evidence is limited at this time, the clinical significance of this alteration remains unclear.

NM_004336.5(BUB1):c.34G>A (p.Glu12Lys)

Gene: BUB1 (BUB1 mitotic checkpoint serine/threonine kinase; minus strand). Cytogenetic location: 2q13.
Variant type: single nucleotide variant.
Coding change: c.34G>A on transcript NM_004336.5 (MANE Select); coding-DNA position 34, G replaced by A.
Protein change: p.Glu12Lys; replaces glutamic acid 12 with lysine.
Molecular consequence: missense variant. On other transcripts: intron variant (1).
Genome position (GRCh38, 1-based): chr2:110,674,358, C>T on the plus strand (G>A on the coding strand, the complement: BUB1 is on the minus strand). VCF-style: chr2-110674358-C-T. GRCh37 (hg19) VCF-style: chr2-111431935-C-T.
Other names: c.34G>A, p.Glu12Lys (NM_001278617.2); c.27-134G>A (NM_001278616.2); short protein forms E12K.
Identifiers: ClinVar variation 3224092 (VCV003224092.3), dbSNP rs369254989, ClinGen allele CA1828467.